The following is an entry in ClinVar:

NM_001128148.3(TFRC):c.1592A>G (p.Lys531Arg)

Gene: TFRC (transferrin receptor; minus strand). Cytogenetic location: 3q29.
Variant type: single nucleotide variant.
Coding change: c.1592A>G on transcript NM_001128148.3 (MANE Select); coding-DNA position 1592, A replaced by G.
Protein change: p.Lys531Arg; replaces lysine 531 with arginine.
Molecular consequence: missense variant.
Genome position (GRCh38, 1-based): chr3:196,058,577, T>C on the plus strand (A>G on the coding strand, the complement: TFRC is on the minus strand). VCF-style: chr3-196058577-T-C. GRCh37 (hg19) VCF-style: chr3-195785448-T-C.
Other names: c.1349A>G, p.Lys450Arg (NM_001313965.2); c.746A>G, p.Lys249Arg (NM_001313966.2); c.1592A>G, p.Lys531Arg (NM_003234.4); short protein forms K450R, K249R, K531R.
Identifiers: ClinVar variation 1361133 (VCV001361133.8), dbSNP rs909955738, ClinGen allele CA90746585.

ClinVar aggregate classification (germline): Uncertain significance (1 of 4 stars; one submission).

Allele frequency attached by ClinVar (database versions not stated): gnomAD exomes below 0.00001; TOPMed below 0.00001; gnomAD 0.00001.
gnomAD v4.1: 3 of 1,611,330 alleles (0.00019%); highest among the groups gnomAD compares: Non-Finnish European, 0.00017%; no homozygotes.

Submission:

Labcorp Genetics (formerly Invitae), Labcorp
Classification: Uncertain significance. Last evaluated: 2022-06-27. Review status: criteria provided, single submitter. Criteria: Invitae Variant Classification Sherloc (09022015). Collection method: clinical testing. Allele origin: germline.
Comment: Algorithms developed to predict the effect of missense changes on protein structure and function (SIFT, PolyPhen-2, Align-GVGD) all suggest that this variant is likely to be tolerated. Algorithms developed to predict the effect of sequence changes on RNA splicing suggest that this variant may create or strengthen a splice site. In summary, the available evidence is currently insufficient to determine the role of this variant in disease. Therefore, it has been classified as a Variant of Uncertain Significance. This variant has not been reported in the literature in individuals affected with TFRC-related conditions. This sequence change replaces lysine, which is basic and polar, with arginine, which is basic and polar, at codon 531 of the TFRC protein (p.Lys531Arg). This variant is not present in population databases (gnomAD no frequency).